The following is an entry in ClinVar:

NM_001365276.2(TNXB):c.5392G>C (p.Val1798Leu)

Gene: TNXB (tenascin XB; minus strand). Cytogenetic location: 6p21.33.
Variant type: single nucleotide variant.
Coding change: c.5392G>C on transcript NM_001365276.2 (MANE Select); coding-DNA position 5392, G replaced by C.
Protein change: p.Val1798Leu; replaces valine 1798 with leucine.
Molecular consequence: missense variant.
Genome position (GRCh38, 1-based): chr6:32,069,748, C>G on the plus strand (G>C on the coding strand, the complement: TNXB is on the minus strand). VCF-style: chr6-32069748-C-G. GRCh37 (hg19) VCF-style: chr6-32037525-C-G.
Other names: c.6133G>C, p.Val2045Leu (NM_001428335.1); c.5392G>C, p.Val1798Leu (NM_019105.8); short protein forms V1798L, V2045L.
Identifiers: ClinVar variation 4992470 (VCV004992470.1).

ClinVar aggregate classification (germline): Uncertain significance (1 of 4 stars; one submission).

Conditions:
TNXB-related disorder. Also called: TNXB-related condition.

Submission:

PreventionGenetics, part of Exact Sciences
Classification: Uncertain significance for TNXB-related condition. Last evaluated: 2025-12-04. Review status: criteria provided, single submitter. Criteria: ACMG Guidelines, 2015. Collection method: clinical testing. Allele origin: germline.
Comment: The TNXB c.5392G>C variant is predicted to result in the amino acid substitution p.Val1798Leu. To our knowledge, this variant has not been reported in the literature or in a large population database (gnomAD), indicating this variant is rare. At this time, the clinical significance of this variant is uncertain due to the absence of conclusive functional and genetic evidence.